The following is an entry in ClinVar:

NM_152564.5(VPS13B):c.8034G>T (p.Gln2678His)

Gene: VPS13B (vacuolar protein sorting 13 homolog B; plus strand). Cytogenetic location: 8q22.2.
Variant type: single nucleotide variant.
Coding change: c.8034G>T on transcript NM_152564.5 (MANE Select); coding-DNA position 8034, G replaced by T.
Protein change: p.Gln2678His; replaces glutamine 2678 with histidine.
Molecular consequence: missense variant.
Genome position (GRCh38, 1-based): chr8:99,809,467, G>T. VCF-style: chr8-99809467-G-T. GRCh37 (hg19) VCF-style: chr8-100821695-G-T.
Other names: c.8109G>T, p.Gln2703His (NM_017890.5); short protein forms Q2678H, Q2703H.
Identifiers: ClinVar variation 2162645 (VCV002162645.2), dbSNP rs1159472711, ClinGen allele CA371769960.

ClinVar aggregate classification (germline): Uncertain significance. Review status: criteria provided, multiple submitters, no conflicts (2 of 4 stars). 2 submissions from 2 submitters: Uncertain significance (2). Last evaluated 2025-12-08.

Conditions:
VPS13B-related disorder. Also called: VPS13B-related condition.
Cohen syndrome (COH1). Also called: PEPPER SYNDROME; Cutis verticis gyrata, retinitis pigmentosa, and sensorineural deafness. Identifiers: Orphanet 193, MedGen C0265223, MONDO:0008999, OMIM 216550.

Allele frequency attached by ClinVar (database versions not stated): gnomAD 0.00001; gnomAD exomes 0.00001; TOPMed 0.00002.
gnomAD v4.1: 20 of 1,613,910 alleles (0.0012%); highest among the groups gnomAD compares: Non-Finnish European, 0.0017%; no homozygotes.

Submissions (2):

PreventionGenetics, part of Exact Sciences
Classification: Uncertain significance for VPS13B-related condition. Last evaluated: 2025-12-08. Review status: criteria provided, single submitter. Criteria: ACMG Guidelines, 2015. Collection method: clinical testing. Allele origin: germline.
Comment: The VPS13B c.8034G>T variant is predicted to result in the amino acid substitution p.Gln2678His. To our knowledge, this variant has not been reported in the literature or in a large population database (gnomAD), indicating this variant is rare. At this time, the clinical significance of this variant is uncertain due to the absence of conclusive functional and genetic evidence.

Labcorp Genetics (formerly Invitae), Labcorp
Classification: Uncertain significance for Cohen syndrome. Last evaluated: 2022-08-13. Review status: criteria provided, single submitter. Criteria: Invitae Variant Classification Sherloc (09022015). Collection method: clinical testing. Allele origin: germline.
Comment: This sequence change replaces glutamine, which is neutral and polar, with histidine, which is basic and polar, at codon 2703 of the VPS13B protein (p.Gln2703His). This variant is not present in population databases (gnomAD no frequency). This variant has not been reported in the literature in individuals affected with VPS13B-related conditions. Algorithms developed to predict the effect of missense changes on protein structure and function are either unavailable or do not agree on the potential impact of this missense change (SIFT: "Not Available"; PolyPhen-2: "Possibly Damaging"; Align-GVGD: "Not Available"). In summary, the available evidence is currently insufficient to determine the role of this variant in disease. Therefore, it has been classified as a Variant of Uncertain Significance.